The following is an entry in ClinVar:

NM_000642.3(AGL):c.685C>G (p.Gln229Glu)

Gene: AGL (amylo-alpha-1,6-glucosidase and 4-alpha-glucanotransferase; plus strand). Cytogenetic location: 1p21.2.
Variant type: single nucleotide variant.
Coding change: c.685C>G on transcript NM_000642.3 (MANE Select); coding-DNA position 685, C replaced by G.
Protein change: p.Gln229Glu; replaces glutamine 229 with glutamic acid.
Molecular consequence: missense variant.
Genome position (GRCh38, 1-based): chr1:99,870,420, C>G. VCF-style: chr1-99870420-C-G. GRCh37 (hg19) VCF-style: chr1-100335976-C-G.
Other names: c.685C>G, p.Gln229Glu (NM_000028.3, NM_000643.3, NM_000644.3 and 3 more transcripts); c.637C>G, p.Gln213Glu (NM_000646.3); c.481C>G, p.Gln161Glu (NM_001425328.1, NM_001425329.1); c.307C>G, p.Gln103Glu (NM_001425332.1); short protein forms Q103E, Q161E, Q213E, Q229E.
Identifiers: ClinVar variation 4808723 (VCV004808723.1).

ClinVar aggregate classification (germline): Uncertain significance (1 of 4 stars; one submission).

Conditions:
Glycogen storage disease type III (GSD3). Also called: FORBES DISEASE; Cori disease. Identifiers: Orphanet 366, MedGen C0017922, MONDO:0009291, OMIM 232400.

Submission:

Labcorp Genetics (formerly Invitae), Labcorp
Classification: Uncertain significance for Glycogen storage disease type III. Last evaluated: 2025-09-14. Review status: criteria provided, single submitter. Criteria: Invitae Variant Classification Sherloc (09022015). Collection method: clinical testing. Allele origin: germline.
Comment: This sequence change replaces glutamine, which is neutral and polar, with glutamic acid, which is acidic and polar, at codon 229 of the AGL protein (p.Gln229Glu). This variant is not present in population databases (gnomAD no frequency). This variant has not been reported in the literature in individuals affected with AGL-related conditions. Invitae Evidence Modeling of protein sequence and biophysical properties (such as structural, functional, and spatial information, amino acid conservation, physicochemical variation, residue mobility, and thermodynamic stability) indicates that this missense variant is not expected to disrupt AGL protein function with a negative predictive value of 80%. In summary, the available evidence is currently insufficient to determine the role of this variant in disease. Therefore, it has been classified as a Variant of Uncertain Significance.